The following is an entry in ClinVar:

ClinVar aggregate classification (germline): Uncertain significance. Review status: criteria provided, single submitter (1 of 4 stars). 3 submissions from 3 submitters: Uncertain significance (1). 2 of the submissions do not count toward it. Last evaluated 2020-08-14.

Conditions:
Dilated cardiomyopathy 1CC (CMD1CC). Identifiers: Orphanet 154, MedGen C2751084, MONDO:0013147, OMIM 613122.
Hypertrophic cardiomyopathy 20. Identifiers: MedGen C3151267, MONDO:0013477, OMIM 613876.

Submissions (3):

Labcorp Genetics (formerly Invitae), Labcorp
Classification: Uncertain significance for Dilated cardiomyopathy 1CC; Hypertrophic cardiomyopathy 20. Last evaluated: 2020-08-14. Review status: criteria provided, single submitter. Criteria: Invitae Variant Classification Sherloc (09022015). Collection method: clinical testing. Allele origin: germline.
Comment: Algorithms developed to predict the effect of missense changes on protein structure and function are either unavailable or do not agree on the potential impact of this missense change (SIFT: "Deleterious"; PolyPhen-2: "Probably Damaging"; Align-GVGD: "Class C0"). In summary, the available evidence is currently insufficient to determine the role of this variant in disease. Therefore, it has been classified as a Variant of Uncertain Significance. This variant has not been reported in the literature in individuals with NEXN-related conditions. This variant is not present in population databases (ExAC no frequency). This sequence change replaces leucine with histidine at codon 312 of the NEXN protein (p.Leu312His). The leucine residue is highly conserved and there is a moderate physicochemical difference between leucine and histidine.

Clinical Genetics DNA and cytogenetics Diagnostics Lab, Erasmus MC, Erasmus Medical Center
Classification: Uncertain significance. Review status: no assertion criteria provided. Collection method: clinical testing. Allele origin: germline. Affected: yes. Study: VKGL Data-share Consensus. Not counted in ClinVar's aggregate classification.

Clinical Genetics, Academic Medical Center
Classification: Uncertain significance. Review status: no assertion criteria provided. Collection method: clinical testing. Allele origin: germline. Affected: yes. Study: VKGL Data-share Consensus. Not counted in ClinVar's aggregate classification.

NM_144573.4(NEXN):c.935T>A (p.Leu312His)

Gene: NEXN (nexilin F-actin binding protein; plus strand). Cytogenetic location: 1p31.1.
Variant type: single nucleotide variant.
Coding change: c.935T>A on transcript NM_144573.4 (MANE Select); coding-DNA position 935, T replaced by A.
Protein change: p.Leu312His; replaces leucine 312 with histidine.
Molecular consequence: missense variant.
Genome position (GRCh38, 1-based): chr1:77,929,386, T>A. VCF-style: chr1-77929386-T-A. GRCh37 (hg19) VCF-style: chr1-78395071-T-A.
Other names: c.743T>A, p.Leu248His (NM_001172309.2); short protein forms L248H, L312H.
Identifiers: ClinVar variation 1064112 (VCV001064112.12), dbSNP rs2102133294, ClinGen allele CA340875152.